The following is an entry in ClinVar:

ClinVar aggregate classification (germline): Conflicting classifications of pathogenicity. Review status: criteria provided, conflicting classifications (1 of 4 stars). 3 submissions from 3 submitters: Uncertain significance (2); Likely benign (1). Last evaluated 2025-05-28.

Conditions:
Long QT syndrome (LQTS). Identifiers: MedGen C0023976, MeSH D008133, MONDO:0002442. Disease mechanism: loss of function. Inheritance: Various modes of inheritance.
Long QT syndrome 11 (LQT11). Identifiers: Orphanet 101016, Orphanet 768, MedGen C2678483, MONDO:0012738, OMIM 611820.
Cardiovascular phenotype. Identifiers: MedGen CN230736.

Allele frequency attached by ClinVar (database versions not stated): gnomAD exomes below 0.00001; gnomAD 0.00001; TOPMed 0.00001.
gnomAD v4.1: 2 of 1,611,146 alleles (0.00012%); highest among the groups gnomAD compares: Non-Finnish European, 0.00017%; no homozygotes.

Submissions (3):

Ambry Genetics
Classification: Likely benign for Cardiovascular phenotype. Last evaluated: 2025-05-28. Review status: criteria provided, single submitter. Criteria: Ambry Variant Classification Scheme 2023. Collection method: clinical testing. Allele origin: germline.

Labcorp Genetics (formerly Invitae), Labcorp
Classification: Uncertain significance for Long QT syndrome. Last evaluated: 2022-07-19. Review status: criteria provided, single submitter. Criteria: Invitae Variant Classification Sherloc (09022015). Collection method: clinical testing. Allele origin: germline.
Comment: This sequence change replaces methionine, which is neutral and non-polar, with valine, which is neutral and non-polar, at codon 2002 of the AKAP9 protein (p.Met2002Val). In summary, the available evidence is currently insufficient to determine the role of this variant in disease. Therefore, it has been classified as a Variant of Uncertain Significance. Algorithms developed to predict the effect of missense changes on protein structure and function are either unavailable or do not agree on the potential impact of this missense change (SIFT: "Deleterious"; PolyPhen-2: "Probably Damaging"; Align-GVGD: "Class C0"). ClinVar contains an entry for this variant (Variation ID: 565741). This variant has not been reported in the literature in individuals affected with AKAP9-related conditions. This variant is not present in population databases (gnomAD no frequency).

Fulgent Genetics
Classification: Uncertain significance for Long QT syndrome 11. Last evaluated: 2021-11-04. Review status: criteria provided, single submitter. Criteria: ACMG Guidelines, 2015. Collection method: clinical testing. Allele origin: unknown.

NM_005751.5(AKAP9):c.6004A>G (p.Met2002Val)

Gene: AKAP9 (A-kinase anchoring protein 9; plus strand). Cytogenetic location: 7q21.2.
Variant type: single nucleotide variant.
Coding change: c.6004A>G on transcript NM_005751.5 (MANE Select); coding-DNA position 6004, A replaced by G.
Protein change: p.Met2002Val; replaces methionine 2002 with valine.
Molecular consequence: missense variant.
Genome position (GRCh38, 1-based): chr7:92,065,257, A>G. VCF-style: chr7-92065257-A-G. GRCh37 (hg19) VCF-style: chr7-91694571-A-G.
Other names: c.649A>G, p.Met217Val (NM_001379277.1); c.6004A>G, p.Met2002Val (NM_147185.3); short protein forms M2002V, M217V.
Identifiers: ClinVar variation 565741 (VCV000565741.10), dbSNP rs1463067477, ClinGen allele CA368132366.